The following is an entry in ClinVar:

ClinVar aggregate classification (germline): Uncertain significance (1 of 4 stars; one submission).

Allele frequency attached by ClinVar (database versions not stated): gnomAD exomes below 0.00001.

Submission:

GeneDx
Classification: Uncertain significance. Last evaluated: 2022-04-05. Review status: criteria provided, single submitter. Criteria: GeneDx Variant Classification Process June 2021. Collection method: clinical testing. Allele origin: germline. Affected: yes.
Comment: Not observed at significant frequency in large population cohorts (gnomAD); In silico analysis supports that this missense variant does not alter protein structure/function; Has not been previously published as pathogenic or benign to our knowledge

NM_024496.4(IRF2BPL):c.1957G>C (p.Ala653Pro)

Gene: IRF2BPL (interferon regulatory factor 2 binding protein like; minus strand). Cytogenetic location: 14q24.3.
Variant type: single nucleotide variant.
Coding change: c.1957G>C on transcript NM_024496.4 (MANE Select); coding-DNA position 1957, G replaced by C.
Protein change: p.Ala653Pro; replaces alanine 653 with proline.
Molecular consequence: missense variant.
Genome position (GRCh38, 1-based): chr14:77,025,836, C>G on the plus strand (G>C on the coding strand, the complement: IRF2BPL is on the minus strand). VCF-style: chr14-77025836-C-G. GRCh37 (hg19) VCF-style: chr14-77492179-C-G.
Other names: short protein forms A653P.
Identifiers: ClinVar variation 1708877 (VCV001708877.2), dbSNP rs2503074655, ClinGen allele CA390488859.
Genomic context (GRCh38, chr14:77,025,836, plus strand): 5'-CCAAGCGGCGCTGCCCCGGCACGGAGGCCGGCGAGACTGGGCTGCTGCTGTTTCGCCGCG[C>G]CGACGCAGTGGTAGAGTGCACGGAACTGCCATCCTTGGGCGAGTGCGCTGTGCCCAGAGT-3'
Protein context (NP_078772.1, residues 643-663): GSSVHSTTAS[Ala653Pro]RRNSSSPVSP